The following is an entry in ClinVar:

NM_014975.3(MAST1):c.1506-4_1511del

Gene: MAST1 (microtubule associated serine/threonine kinase 1; plus strand). Cytogenetic location: 19p13.13.
Variant type: Deletion.
Coding change: c.1506-4_1511del on transcript NM_014975.3 (MANE Select); 4 bases into the intron before coding-DNA position 1506 through coding-DNA position 1511, 10 bases deleted (ACAGCCTCCT; older notation c.1506-4_1511delACAGCCTCCT).
Molecular consequence: splice acceptor variant.
Genome position (GRCh38, 1-based): chr19:12,865,042-12,865,051, ACAGCCTCCT deleted; deleting any 10 consecutive bases within chr19:12,865,039-12,865,051 gives the same sequence; the c. name uses the placement nearest the transcript's 3' end. VCF-style (leftmost placement, unchanged base first): chr19-12865038-GCCTACAGCCT-G. GRCh37 (hg19) VCF-style: chr19-12975852-GCCTACAGCCT-G.
Identifiers: ClinVar variation 2626952 (VCV002626952.1), dbSNP rs2512536627, ClinGen allele CA2582342944.

ClinVar aggregate classification (germline): Uncertain significance (1 of 4 stars; one submission).

Submission:

Greenwood Genetic Center Diagnostic Laboratories, Greenwood Genetic Center
Classification: Uncertain significance. Last evaluated: 2023-09-19. Review status: criteria provided, single submitter. Criteria: ACMG Guidelines, 2015. Collection method: clinical testing. Allele origin: germline. Affected: yes.
Comment: PM2